The following is an entry in ClinVar:

ClinVar aggregate classification (germline): Uncertain significance. Review status: criteria provided, multiple submitters, no conflicts (2 of 4 stars). 2 submissions from 2 submitters: Uncertain significance (2). Last evaluated 2023-04-27.

Allele frequency attached by ClinVar (database versions not stated): TOPMed below 0.00001; gnomAD 0.00001.
gnomAD v4.1: 1 of 1,613,846 alleles (0.000062%); highest among the groups gnomAD compares: Non-Finnish European, 0.000085%; no homozygotes.

Submissions (2):

Labcorp Genetics (formerly Invitae), Labcorp
Classification: Uncertain significance. Last evaluated: 2023-04-27. Review status: criteria provided, single submitter. Criteria: Invitae Variant Classification Sherloc (09022015). Collection method: clinical testing. Allele origin: germline.
Comment: This sequence change replaces glutamine, which is neutral and polar, with histidine, which is basic and polar, at codon 1770 of the SPTA1 protein (p.Gln1770His). This variant also falls at the last nucleotide of exon 37, which is part of the consensus splice site for this exon. This variant is not present in population databases (gnomAD no frequency). This variant has not been reported in the literature in individuals affected with SPTA1-related conditions. An algorithm developed to predict the effect of missense changes on protein structure and function (PolyPhen-2) suggests that this variant is likely to be disruptive. Variants that disrupt the consensus splice site are a relatively common cause of aberrant splicing (PMID: 17576681, 9536098). Algorithms developed to predict the effect of sequence changes on RNA splicing suggest that this variant may disrupt the consensus splice site. In summary, the available evidence is currently insufficient to determine the role of this variant in disease. Therefore, it has been classified as a Variant of Uncertain Significance.

Revvity Omics, Revvity
Classification: Uncertain significance. Last evaluated: 2023-02-21. Review status: criteria provided, single submitter. Criteria: ACMG Guidelines, 2015. Collection method: clinical testing. Allele origin: germline.

Literature cited by the submitters: PubMed 17576681 (cited by Labcorp Genetics (formerly Invitae), Labcorp); PubMed 9536098 (cited by Labcorp Genetics (formerly Invitae), Labcorp).

NM_003126.4(SPTA1):c.5310G>C (p.Gln1770His)

Gene: SPTA1 (spectrin alpha, erythrocytic 1; minus strand). Cytogenetic location: 1q23.1.
Variant type: single nucleotide variant.
Coding change: c.5310G>C on transcript NM_003126.4 (MANE Select); coding-DNA position 5310, G replaced by C.
Protein change: p.Gln1770His; replaces glutamine 1770 with histidine.
Molecular consequence: missense variant.
Genome position (GRCh38, 1-based): chr1:158,636,641, C>G on the plus strand (G>C on the coding strand, the complement: SPTA1 is on the minus strand). VCF-style: chr1-158636641-C-G. GRCh37 (hg19) VCF-style: chr1-158606431-C-G.
Other names: short protein forms Q1770H.
Identifiers: ClinVar variation 2690103 (VCV002690103.5), dbSNP rs1205991857, ClinGen allele CA343027012.
Genomic context (GRCh38, chr1:158,636,641, plus strand): 5'-AACACAAGGGGTTGCTATAGGATGATTTCTATATTTTCAGATCTGGTATTCTATTCCTAC[C>G]TGGATGGCAGGCTCATGGGCCACCAGCTCCCCCTCTAGGCGTTTGTGCTTCTTCAGCAAG-3'
Protein context (NP_003117.2, residues 1760-1780): GELVAHEPAI[Gln1770His]NVLDMAEKLK